The following is an entry in ClinVar:

ClinVar aggregate classification (germline): Uncertain significance (1 of 4 stars; one submission).

Allele frequency attached by ClinVar (database versions not stated): gnomAD 0.00001; TOPMed below 0.00001.

Submission:

GeneDx
Classification: Uncertain significance. Last evaluated: 2022-01-26. Review status: criteria provided, single submitter. Criteria: GeneDx Variant Classification Process June 2021. Collection method: clinical testing. Allele origin: germline. Affected: yes.
Comment: Not observed at significant frequency in large population cohorts (gnomAD); In silico analysis supports that this missense variant has a deleterious effect on protein structure/function; Has not been previously published as pathogenic or benign to our knowledge

NM_012398.3(PIP5K1C):c.1375C>T (p.Arg459Cys)

Gene: PIP5K1C (phosphatidylinositol-4-phosphate 5-kinase type 1 gamma; minus strand). Cytogenetic location: 19p13.3.
Variant type: single nucleotide variant.
Coding change: c.1375C>T on transcript NM_012398.3 (MANE Select); coding-DNA position 1375, C replaced by T.
Protein change: p.Arg459Cys; replaces arginine 459 with cysteine.
Molecular consequence: missense variant.
Genome position (GRCh38, 1-based): chr19:3,644,222, G>A on the plus strand (C>T on the coding strand, the complement: PIP5K1C is on the minus strand). VCF-style: chr19-3644222-G-A. GRCh37 (hg19) VCF-style: chr19-3644220-G-A.
Other names: c.1375C>T, p.Arg459Cys (NM_001195733.2, NM_001300849.2); short protein forms R459C.
Identifiers: ClinVar variation 1699543 (VCV001699543.2), dbSNP rs1439572716, ClinGen allele CA403379898.